The following is an entry in ClinVar:

ClinVar aggregate classification (germline): Uncertain significance (1 of 4 stars; one submission).

Conditions:
Periodic fever-infantile enterocolitis-autoinflammatory syndrome. Also called: Autoinflammation with infantile enterocolitis. Identifiers: Orphanet 436166, MedGen C4015067, MONDO:0014472, OMIM 616050.
Familial cold autoinflammatory syndrome 4 (FCAS4). Identifiers: Orphanet 47045, Orphanet 576349, MedGen C4015276, MONDO:0014498, OMIM 616115.

Submission:

Labcorp Genetics (formerly Invitae), Labcorp
Classification: Uncertain significance for Periodic fever-infantile enterocolitis-autoinflammatory syndrome; Familial cold autoinflammatory syndrome 4. Last evaluated: 2025-04-13. Review status: criteria provided, single submitter. Criteria: Invitae Variant Classification Sherloc (09022015). Collection method: clinical testing. Allele origin: germline.
Comment: This sequence change replaces methionine, which is neutral and non-polar, with isoleucine, which is neutral and non-polar, at codon 274 of the NLRC4 protein (p.Met274Ile). This variant is not present in population databases (gnomAD no frequency). This variant has not been reported in the literature in individuals affected with NLRC4-related conditions. Invitae Evidence Modeling of protein sequence and biophysical properties (such as structural, functional, and spatial information, amino acid conservation, physicochemical variation, residue mobility, and thermodynamic stability) indicates that this missense variant is expected to disrupt NLRC4 protein function with a positive predictive value of 80%. In summary, the available evidence is currently insufficient to determine the role of this variant in disease. Therefore, it has been classified as a Variant of Uncertain Significance.

NM_001199138.2(NLRC4):c.822G>A (p.Met274Ile)

Gene: NLRC4 (NLR family CARD domain containing 4; minus strand). Cytogenetic location: 2p22.3.
Variant type: single nucleotide variant.
Coding change: c.822G>A on transcript NM_001199138.2 (MANE Select); coding-DNA position 822, G replaced by A.
Protein change: p.Met274Ile; replaces methionine 274 with isoleucine.
Molecular consequence: missense variant. On other transcripts: intron variant (1).
Genome position (GRCh38, 1-based): chr2:32,251,042, C>T on the plus strand (G>A on the coding strand, the complement: NLRC4 is on the minus strand). VCF-style: chr2-32251042-C-T. GRCh37 (hg19) VCF-style: chr2-32476111-C-T.
Other names: c.822G>A, p.Met274Ile (NM_001199139.2, NM_021209.5); c.262+1377G>A (NM_001302504.1); short protein forms M274I.
Identifiers: ClinVar variation 4791934 (VCV004791934.1).
Genomic context (GRCh38, chr2:32,251,042, plus strand): 5'-AGTCAGGGCACCAAACTGCCGTATGTGCCTCAGGCACTCAGTGGTAGTGGTGACGATGAC[C>T]ATGTTCTTGAAGCGGTGGTTTTCCTTTATCAGGGCTTCGATTTCTGGGCAGTTCTGGGGC-3'
Protein context (NP_001186067.1, residues 264-284): LIKENHRFKN[Met274Ile]VIVTTTTECL